The following is an entry in ClinVar:

NM_001283009.2(RTEL1):c.2590G>A (p.Glu864Lys)

Genes: RTEL1 (regulator of telomere elongation helicase 1; plus strand), RTEL1-TNFRSF6B (RTEL1-TNFRSF6B readthrough (NMD candidate); plus strand). Cytogenetic location: 20q13.33.
Variant type: single nucleotide variant.
Coding change: c.2590G>A on transcript NM_001283009.2 (MANE Select); coding-DNA position 2590, G replaced by A.
Protein change: p.Glu864Lys; replaces glutamic acid 864 with lysine.
Molecular consequence: missense variant. On other transcripts: non-coding transcript variant (1).
Genome position (GRCh38, 1-based): chr20:63,691,775, G>A. VCF-style: chr20-63691775-G-A. GRCh37 (hg19) VCF-style: chr20-62323128-G-A.
Other names: c.1921G>A, p.Glu641Lys (NM_001283010.1); c.2590G>A, p.Glu864Lys (NM_016434.4); c.2662G>A, p.Glu888Lys (NM_032957.5); short protein forms E641K, E864K, E888K.
Identifiers: ClinVar variation 1441101 (VCV001441101.7), dbSNP rs369777001, ClinGen allele CA9965424.

ClinVar aggregate classification (germline): Uncertain significance. Review status: criteria provided, multiple submitters, no conflicts (2 of 4 stars). 3 submissions from 3 submitters: Uncertain significance (3). Last evaluated 2024-12-14.

Conditions:
Inborn genetic diseases. Identifiers: MedGen C0950123, MeSH D030342.
Pulmonary fibrosis and/or bone marrow failure, Telomere-related, 3. Also called: PULMONARY FIBROSIS AND/OR BONE MARROW FAILURE SYNDROME, TELOMERE-RELATED, 3. Identifiers: Orphanet 2032, MedGen C4225346, MONDO:0014613, OMIM 616373.
Dyskeratosis congenita, autosomal recessive 5 (DKCB5). Identifiers: MedGen C3554656, MONDO:0014076, OMIM 615190.

Allele frequency attached by ClinVar (database versions not stated): ExAC 0.00001; gnomAD exomes 0.00001; ESP Exome Variant Server 0.00008.
gnomAD v4.1: 3 of 1,612,526 alleles (0.00019%); highest among the groups gnomAD compares: Non-Finnish European, 0.00025%; no homozygotes.

Submissions (3):

Ambry Genetics
Classification: Uncertain significance for Inborn genetic diseases. Last evaluated: 2024-12-14. Review status: criteria provided, single submitter. Criteria: Ambry Variant Classification Scheme 2023. Collection method: clinical testing. Allele origin: germline.
Comment: The p.E864K variant (also known as c.2590G>A), located in coding exon 27 of the RTEL1 gene, results from a G to A substitution at nucleotide position 2590. The glutamic acid at codon 864 is replaced by lysine, an amino acid with similar properties. This amino acid position is conserved. In addition, this alteration is predicted to be tolerated by in silico analysis. Based on the available evidence, the clinical significance of this variant remains unclear.

Labcorp Genetics (formerly Invitae), Labcorp
Classification: Uncertain significance for Dyskeratosis congenita, autosomal recessive 5; Pulmonary fibrosis and/or bone marrow failure, Telomere-related, 3. Last evaluated: 2021-08-28. Review status: criteria provided, single submitter. Criteria: Invitae Variant Classification Sherloc (09022015). Collection method: clinical testing. Allele origin: germline.
Comment: This sequence change replaces glutamic acid with lysine at codon 864 of the RTEL1 protein (p.Glu864Lys). The glutamic acid residue is moderately conserved and there is a small physicochemical difference between glutamic acid and lysine. This variant is present in population databases (rs369777001, ExAC 0.002%). This variant has not been reported in the literature in individuals affected with RTEL1-related conditions. Algorithms developed to predict the effect of missense changes on protein structure and function are either unavailable or do not agree on the potential impact of this missense change (SIFT: "Tolerated"; PolyPhen-2: "Possibly Damaging"; Align-GVGD: "Class C0"). In summary, the available evidence is currently insufficient to determine the role of this variant in disease. Therefore, it has been classified as a Variant of Uncertain Significance.

Blueprint Genetics
Classification: Uncertain significance. Last evaluated: 2020-08-06. Review status: criteria provided, single submitter. Criteria: ACMG Guidelines, 2015. Collection method: clinical testing. Allele origin: germline.